The following is an entry in ClinVar:

ClinVar aggregate classification (germline): Uncertain significance. Review status: criteria provided, multiple submitters, no conflicts (2 of 4 stars). 3 submissions from 3 submitters: Uncertain significance (3). Last evaluated 2026-01-14.

Conditions:
Inborn genetic diseases. Identifiers: MedGen C0950123, MeSH D030342.
Developmental and epileptic encephalopathy, 65. Also called: EPILEPTIC ENCEPHALOPATHY, EARLY INFANTILE, 65. Identifiers: MedGen C4693925, MONDO:0033374, OMIM 618008.

Allele frequency attached by ClinVar (database versions not stated): ExAC 0.00001; gnomAD exomes 0.00001; TOPMed 0.00002; gnomAD 0.00003.
gnomAD v4.1: 22 of 1,613,870 alleles (0.0014%); highest among the groups gnomAD compares: Admixed American, 0.018%; no homozygotes.

Submissions (3):

Labcorp Genetics (formerly Invitae), Labcorp
Classification: Uncertain significance. Last evaluated: 2026-01-14. Review status: criteria provided, single submitter. Criteria: Invitae Variant Classification Sherloc (09022015). Collection method: clinical testing. Allele origin: germline.
Comment: This sequence change replaces aspartic acid, which is acidic and polar, with asparagine, which is neutral and polar, at codon 821 of the CYFIP2 protein (p.Asp821Asn). This variant is present in population databases (rs776958013, gnomAD 0.02%). This variant has not been reported in the literature in individuals affected with CYFIP2-related conditions. ClinVar contains an entry for this variant (Variation ID: 2319293). Experimental studies and prediction algorithms are not available or were not evaluated, and the functional significance of this variant is currently unknown. In summary, the available evidence is currently insufficient to determine the role of this variant in disease. Therefore, it has been classified as a Variant of Uncertain Significance.

Ambry Genetics
Classification: Uncertain significance for Inborn genetic diseases. Last evaluated: 2022-10-26. Review status: criteria provided, single submitter. Criteria: Ambry Variant Classification Scheme 2023. Collection method: clinical testing. Allele origin: germline.

Revvity Omics, Revvity
Classification: Uncertain significance for Developmental and epileptic encephalopathy, 65. Last evaluated: 2021-12-28. Review status: criteria provided, single submitter. Criteria: ACMG Guidelines, 2015. Collection method: clinical testing. Allele origin: germline.

NM_001037333.3(CYFIP2):c.2461G>A (p.Asp821Asn)

Gene: CYFIP2 (cytoplasmic FMR1 interacting protein 2; plus strand). Cytogenetic location: 5q33.3.
Variant type: single nucleotide variant.
Coding change: c.2461G>A on transcript NM_001037333.3 (MANE Select); coding-DNA position 2461, G replaced by A.
Protein change: p.Asp821Asn; replaces aspartic acid 821 with asparagine.
Molecular consequence: missense variant.
Genome position (GRCh38, 1-based): chr5:157,339,132, G>A. VCF-style: chr5-157339132-G-A. GRCh37 (hg19) VCF-style: chr5-156766140-G-A.
Other names: c.2383G>A, p.Asp795Asn (NM_001291721.2); c.2536G>A, p.Asp846Asn (NM_001291722.2); c.2461G>A, p.Asp821Asn (NM_014376.4); short protein forms D795N, D846N, D821N.
Identifiers: ClinVar variation 2319293 (VCV002319293.6), dbSNP rs776958013, ClinGen allele CA3533870.